The following is an entry in ClinVar:

NM_005334.3(HCFC1):c.4091C>A (p.Ser1364Tyr)

Gene: HCFC1 (host cell factor C1; minus strand). Cytogenetic location: Xq28.
Variant type: single nucleotide variant.
Coding change: c.4091C>A on transcript NM_005334.3 (MANE Select); coding-DNA position 4091, C replaced by A.
Protein change: p.Ser1364Tyr; replaces serine 1364 with tyrosine.
Molecular consequence: missense variant.
Genome position (GRCh38, 1-based): chrX:153,954,308, G>T on the plus strand (C>A on the coding strand, the complement: HCFC1 is on the minus strand). VCF-style: chrX-153954308-G-T. GRCh37 (hg19) VCF-style: chrX-153219759-G-T.
Other names: c.4091C>A, p.Ser1364Tyr (NM_001410705.1, NM_001440843.1, NM_001440844.1 and 5 more transcripts); c.3893C>A, p.Ser1298Tyr (NM_001440850.1, NM_001440851.1); short protein forms S1298Y, S1364Y.
Identifiers: ClinVar variation 4074325 (VCV004074325.1).

ClinVar aggregate classification (germline): Uncertain significance (1 of 4 stars; one submission).

gnomAD v4.1: 1 of 1,199,181 alleles (0.000083%); highest among the groups gnomAD compares: Admixed American, 0.0022%; no homozygotes.

Submission:

GeneDx
Classification: Uncertain significance. Last evaluated: 2025-02-10. Review status: criteria provided, single submitter. Criteria: GeneDx Variant Classification Process June 2021. Collection method: clinical testing. Allele origin: germline. Affected: yes.
Comment: Not observed at significant frequency in large population cohorts (gnomAD); In silico analysis indicates that this missense variant does not alter protein structure/function; Has not been previously published as pathogenic or benign to our knowledge